The following is an entry in ClinVar:

NM_005085.4(NUP214):c.5053C>T (p.Leu1685=)

Gene: NUP214 (nucleoporin 214; plus strand). Cytogenetic location: 9q34.13.
Variant type: single nucleotide variant.
Coding change: c.5053C>T on transcript NM_005085.4 (MANE Select); coding-DNA position 5053, C replaced by T.
Protein change: p.Leu1685=; no amino-acid change (leucine 1685 retained).
Molecular consequence: synonymous variant.
Genome position (GRCh38, 1-based): chr9:131,198,547, C>T. VCF-style: chr9-131198547-C-T. GRCh37 (hg19) VCF-style: chr9-134073934-C-T.
Other names: c.5023C>T, p.Leu1675= (NM_001318324.2); c.1531C>T, p.Leu511= (NM_001318325.2).
Identifiers: ClinVar variation 4686775 (VCV004686775.2).

ClinVar aggregate classification (germline): Conflicting classifications of pathogenicity. Review status: criteria provided, conflicting classifications (1 of 4 stars). 2 submissions from 2 submitters: Uncertain significance (1); Likely benign (1). Last evaluated 2025-07-21.

gnomAD v4.1: 4 of 1,614,238 alleles (0.00025%); highest among the groups gnomAD compares: Non-Finnish European, 0.00034%; no homozygotes.

Submissions (2):

GeneDx
Classification: Uncertain significance. Last evaluated: 2025-07-21. Review status: criteria provided, single submitter. Criteria: GeneDx Variant Classification Process June 2021. Collection method: clinical testing. Allele origin: germline. Affected: yes.
Comment: In silico analysis suggests that this variant does not alter splicing; Has not been previously published as pathogenic or benign to our knowledge

Blueprint Genetics
Classification: Likely benign. Last evaluated: 2022-06-22. Review status: criteria provided, single submitter. Criteria: ACMG Guidelines, 2015. Collection method: clinical testing. Allele origin: germline.